The following is an entry in ClinVar:

ClinVar aggregate classification (germline): Pathogenic. Review status: criteria provided, single submitter (1 of 4 stars). 2 submissions from 2 submitters: Pathogenic (1). 1 of the submissions does not count toward it. Last evaluated 2019-07-25.

Conditions:
beta Thalassemia (BTHAL). Also called: Cooley's anemia; Erythroblastic anemia; Mediterranean anemia. Identifiers: Orphanet 848, MedGen C0005283, MONDO:0019402. Disease mechanism: loss of function.

Submissions (2):

Women's Health and Genetics/Laboratory Corporation of America, LabCorp
Classification: Pathogenic for beta Thalassemia. Last evaluated: 2019-07-25. Review status: criteria provided, single submitter. Criteria: LabCorp Variant Classification Summary - May 2015. Collection method: clinical testing. Allele origin: germline.
Comment: Variant summary: HBB c.93-21_96del25 is located in a canonical splice-site and is predicted to affect mRNA splicing resulting in a significantly altered protein due to either exon skipping, shortening, or inclusion of intronic material. Several computational tools predict a significant impact on normal splicing: five predict the variant abolishes a 3 prime acceptor site. A slightly different variant affecting the same region (c.93-22_95del25) was confirmed by a functional study to affect splicing (Orkin_1983), providing supporting evidence for a pathogenic role of c.93-21_96del25. This variant was absent in 251348 control chromosomes (gnomAD). c.93-21_96del25 has been reported in the literature in individuals affected with Beta Thalassemia (Hassan_2014, Aldakeel_2019). These data indicate that the variant may be associated with disease. No other clinical diagnostic laboratories have submitted clinical-significance assessments for this variant to ClinVar after 2014. Based on the evidence outlined above, the variant was classified as pathogenic.

The ITHANET community portal, The Cyprus Institute of Neurology and Genetics
Classification: Pathogenic for beta Thalassemia. Last evaluated: 2019-11-25. Review status: no assertion criteria provided. Collection method: curation. Allele origin: germline. Not counted in ClinVar's aggregate classification.

Literature cited by the submitters: PubMed 6190800 (cited by Women's Health and Genetics/Laboratory Corporation of America, LabCorp and The ITHANET community portal, The Cyprus Institute of Neurology and Genetics); PubMed 20437613 (cited by Women's Health and Genetics/Laboratory Corporation of America, LabCorp); PubMed 24880717 (cited by Women's Health and Genetics/Laboratory Corporation of America, LabCorp); PubMed 26076396 (cited by Women's Health and Genetics/Laboratory Corporation of America, LabCorp).

NM_000518.5(HBB):c.93-21_96del

Genes: HBB (hemoglobin subunit beta; minus strand), LOC106099062 (HBB recombination region; plus strand), LOC107133510 (origin of replication at HBB; plus strand). Cytogenetic location: 11p15.4.
Variant type: Deletion.
Coding change: c.93-21_96del on transcript NM_000518.5 (MANE Select); 21 bases into the intron before coding-DNA position 93 through coding-DNA position 96, 25 bases deleted (GGTCTATTTTCCCACCCTTAGGCTG).
Molecular consequence: splice acceptor variant.
Genome position (GRCh38, 1-based): chr11:5,226,796-5,226,820, CAGCCTAAGGGTGGGAAAATAGACC deleted on the plus strand (GGTCTATTTTCCCACCCTTAGGCTG on the coding strand, the reverse complement: HBB is on the minus strand). VCF-style (leftmost placement, unchanged base first): chr11-5226795-GCAGCCTAAGGGTGGGAAAATAGACC-G. GRCh37 (hg19) VCF-style: chr11-5248025-GCAGCCTAAGGGTGGGAAAATAGACC-G.
Other names: IVS I [3' end] (-25 bp).
Identifiers: ClinVar variation 632854 (VCV000632854.4), dbSNP rs63750223, ClinGen allele CA217114656.